The following is an entry in ClinVar:

ClinVar aggregate classification (germline): Uncertain significance. Review status: criteria provided, multiple submitters, no conflicts (2 of 4 stars). 2 submissions from 2 submitters: Uncertain significance (2). Last evaluated 2025-11-20.

Conditions:
Inborn genetic diseases. Identifiers: MedGen C0950123, MeSH D030342.

Allele frequency attached by ClinVar (database versions not stated): gnomAD exomes below 0.00001; ExAC 0.00001; gnomAD 0.00002; TOPMed 0.00005; ESP Exome Variant Server 0.00008.
gnomAD v4.1: 7 of 1,613,912 alleles (0.00043%); highest among the groups gnomAD compares: African/African-American, 0.0013%; no homozygotes.

Submissions (2):

Ambry Genetics
Classification: Uncertain significance for Inborn genetic diseases. Last evaluated: 2025-11-20. Review status: criteria provided, single submitter. Criteria: Ambry Variant Classification Scheme 2023. Collection method: clinical testing. Allele origin: germline.

Labcorp Genetics (formerly Invitae), Labcorp
Classification: Uncertain significance. Last evaluated: 2023-12-18. Review status: criteria provided, single submitter. Criteria: Invitae Variant Classification Sherloc (09022015). Collection method: clinical testing. Allele origin: germline.
Comment: This sequence change replaces threonine, which is neutral and polar, with alanine, which is neutral and non-polar, at codon 836 of the ASXL1 protein (p.Thr836Ala). This variant is present in population databases (rs373580114, gnomAD 0.007%). This variant has not been reported in the literature in individuals affected with ASXL1-related conditions. ClinVar contains an entry for this variant (Variation ID: 2175340). An algorithm developed to predict the effect of missense changes on protein structure and function (PolyPhen-2) suggests that this variant is likely to be tolerated. In summary, the available evidence is currently insufficient to determine the role of this variant in disease. Therefore, it has been classified as a Variant of Uncertain Significance.

NM_015338.6(ASXL1):c.2506A>G (p.Thr836Ala)

Gene: ASXL1 (ASXL transcriptional regulator 1; plus strand). Cytogenetic location: 20q11.21.
Variant type: single nucleotide variant.
Coding change: c.2506A>G on transcript NM_015338.6 (MANE Select); coding-DNA position 2506, A replaced by G.
Protein change: p.Thr836Ala; replaces threonine 836 with alanine.
Molecular consequence: missense variant.
Genome position (GRCh38, 1-based): chr20:32,435,218, A>G. VCF-style: chr20-32435218-A-G. GRCh37 (hg19) VCF-style: chr20-31023021-A-G.
Other names: c.2323A>G, p.Thr775Ala (NM_001363734.1); short protein forms T775A, T836A.
Identifiers: ClinVar variation 2175340 (VCV002175340.5), dbSNP rs373580114, ClinGen allele CA9808636.